The following is an entry in ClinVar:

ClinVar aggregate classification (germline): Uncertain significance (1 of 4 stars; one submission).

Conditions:
Ehlers-Danlos syndrome, spondylodysplastic type, 3. Also called: Ehlers-Danlos syndrome, spondylocheirodysplastic type. Identifiers: Orphanet 157965, MedGen C2676510, MONDO:0012873, OMIM 612350.

Allele frequency attached by ClinVar (database versions not stated): gnomAD exomes below 0.00001.

Submission:

Labcorp Genetics (formerly Invitae), Labcorp
Classification: Uncertain significance for Ehlers-Danlos syndrome, spondylodysplastic type, 3. Last evaluated: 2022-03-18. Review status: criteria provided, single submitter. Criteria: Invitae Variant Classification Sherloc (09022015). Collection method: clinical testing. Allele origin: germline.
Comment: In summary, the available evidence is currently insufficient to determine the role of this variant in disease. Therefore, it has been classified as a Variant of Uncertain Significance. This variant has not been reported in the literature in individuals affected with SLC39A13-related conditions. This variant is present in population databases (no rsID available, gnomAD 0.0009%). This sequence change creates a premature translational stop signal (p.Trp56Leufs*86) in the SLC39A13 gene. It is expected to result in an absent or disrupted protein product. However, the current clinical and genetic evidence is not sufficient to establish whether loss-of-function variants in SLC39A13 cause disease.

NM_001128225.3(SLC39A13):c.166dup (p.Trp56fs)

Gene: SLC39A13 (solute carrier family 39 member 13; plus strand). Cytogenetic location: 11p11.2.
Variant type: Duplication.
Coding change: c.166dup on transcript NM_001128225.3 (MANE Select); coding-DNA position 166, one base duplicated (T; older notation c.166dupT).
Protein change: p.Trp56fs; shifts the reading frame from tryptophan 56.
Molecular consequence: frameshift variant. On other transcripts: non-coding transcript variant (1).
Genome position (GRCh38, 1-based): chr11:47,410,260, T duplicated. VCF-style (leftmost placement, unchanged base first): chr11-47410259-C-CT. GRCh37 (hg19) VCF-style: chr11-47431810-C-CT.
Other names: c.166dup, p.Trp56fs (NM_001330245.2, NM_152264.5); short protein forms W56fs.
Identifiers: ClinVar variation 2050372 (VCV002050372.2), dbSNP rs1565660381, ClinGen allele CA599374563.